The following is an entry in ClinVar:

NM_000346.4(SOX9):c.1061_1069dup (p.Pro356_Gln357insProAlaPro)

Gene: SOX9 (SRY-box transcription factor 9; plus strand). Cytogenetic location: 17q24.3.
Variant type: Duplication.
Coding change: c.1061_1069dup on transcript NM_000346.4 (MANE Select); coding-DNA positions 1061 to 1069, 9 bases duplicated (CGGCCCCGC; older notation c.1061_1069dupCGGCCCCGC).
Protein change: p.Pro356_Gln357insProAlaPro.
Molecular consequence: inframe insertion.
Genome position (GRCh38, 1-based): chr17:72,123,918-72,123,926, CGGCCCCGC duplicated; duplicating any 9 consecutive bases within chr17:72,123,910-72,123,926 gives the same sequence; the c. name uses the placement nearest the transcript's 3' end. VCF-style (leftmost placement, unchanged base first): chr17-72123909-A-AGGCCCCGCC. GRCh37 (hg19) VCF-style: chr17-70120050-A-AGGCCCCGCC.
Identifiers: ClinVar variation 2222804 (VCV002222804.5), dbSNP rs761585795, ClinGen allele CA2273926519.

ClinVar aggregate classification (germline): Uncertain significance. Review status: criteria provided, multiple submitters, no conflicts (2 of 4 stars). 2 submissions from 2 submitters: Uncertain significance (2). Last evaluated 2022-11-26.

Conditions:
Camptomelic dysplasia (CMPD). Also called: CMPD1/SRA1; Campomelic Dysplasia. Identifiers: Orphanet 140, MedGen C1861922, MONDO:0007251, OMIM 114290.
Inborn genetic diseases. Identifiers: MedGen C0950123, MeSH D030342.

Submissions (2):

Labcorp Genetics (formerly Invitae), Labcorp
Classification: Uncertain significance for Camptomelic dysplasia. Last evaluated: 2022-11-26. Review status: criteria provided, single submitter. Criteria: Invitae Variant Classification Sherloc (09022015). Collection method: clinical testing. Allele origin: germline.
Comment: In summary, the available evidence is currently insufficient to determine the role of this variant in disease. Therefore, it has been classified as a Variant of Uncertain Significance. Experimental studies and prediction algorithms are not available or were not evaluated, and the functional significance of this variant is currently unknown. This variant has not been reported in the literature in individuals affected with SOX9-related conditions. This variant is not present in population databases (gnomAD no frequency). This variant, c.1061_1069dup, results in the insertion of 3 amino acid(s) of the SOX9 protein (p.Pro354_Pro356dup), but otherwise preserves the integrity of the reading frame.

Ambry Genetics
Classification: Uncertain significance for Inborn genetic diseases. Last evaluated: 2021-08-09. Review status: criteria provided, single submitter. Criteria: Ambry Variant Classification Scheme 2023. Collection method: clinical testing. Allele origin: germline.
Comment: The c.1061_1069dupCGGCCCCGC (p.P354_P356dup) alteration is located in exon 3 (coding exon 3) of the SOX9 gene. The alteration consists of an in-frame duplication of 9 nucleotides from position 1061 to 1069, resulting in the duplication of <NA> residues. Based on insufficient or conflicting evidence, the clinical significance of this alteration remains unclear.